The following is an entry in ClinVar:

ClinVar aggregate classification (germline): Likely pathogenic (1 of 4 stars; one submission).

Conditions:
Intellectual disability, X-linked 102 (MRXSSB). Also called: Intellectual developmental disorder, X-linked syndromic, Snijders Blok type. Identifiers: Orphanet 457260, MedGen C5393299, MONDO:0010497, OMIM 300958.

Submission:

3billion
Classification: Likely pathogenic for Intellectual disability, X-linked 102. Last evaluated: 2024-09-10. Review status: criteria provided, single submitter. Criteria: ACMG Guidelines, 2015. Collection method: clinical testing. Allele origin: germline. Affected: yes.
Comment: The variant is not observed in the gnomAD v4.0.0 dataset. Predicted Consequence/Location: Frameshift: predicted to result in a loss or disruption of normal protein function through nonsense-mediated decay (NMD) or protein truncation. Multiple pathogenic variants are reported downstream of the variant. Therefore, this variant is classified as Likely pathogenic according to the recommendation of ACMG/AMP guideline.

NM_001356.5(DDX3X):c.1244_1248del (p.Ile415fs)

Gene: DDX3X (DEAD-box helicase 3 X-linked; plus strand). Cytogenetic location: Xp11.4.
Variant type: Deletion.
Coding change: c.1244_1248del on transcript NM_001356.5 (MANE Select); coding-DNA positions 1244 to 1248, 5 bases deleted (TCACA; older notation c.1244_1248delTCACA).
Protein change: p.Ile415fs; shifts the reading frame from isoleucine 415.
Molecular consequence: frameshift variant. On other transcripts: non-coding transcript variant (1).
Genome position (GRCh38, 1-based): chrX:41,345,477-41,345,481, TCACA deleted; deleting any 5 consecutive bases within chrX:41,345,474-41,345,481 gives the same sequence; the c. name uses the placement nearest the transcript's 3' end. VCF-style (leftmost placement, unchanged base first): chrX-41345473-AACATC-A. GRCh37 (hg19) VCF-style: chrX-41204726-AACATC-A.
Other names: c.1244_1248del, p.Ile415fs (NM_001193416.3); c.1196_1200del, p.Ile399fs (NM_001193417.3); c.686_690del, p.Ile229fs (NM_001363819.1); short protein forms I229fs, I399fs, I415fs.
Identifiers: ClinVar variation 4293800 (VCV004293800.1).